The following is an entry in ClinVar:

NM_005228.5(EGFR):c.665G>A (p.Arg222His)

Gene: EGFR (epidermal growth factor receptor; plus strand). Cytogenetic location: 7p11.2.
Variant type: single nucleotide variant.
Coding change: c.665G>A on transcript NM_005228.5 (MANE Select); coding-DNA position 665, G replaced by A.
Protein change: p.Arg222His; replaces arginine 222 with histidine.
Molecular consequence: missense variant. On other transcripts: intron variant (1).
Genome position (GRCh38, 1-based): chr7:55,152,582, G>A. VCF-style: chr7-55152582-G-A. GRCh37 (hg19) VCF-style: chr7-55220275-G-A.
Other names: c.530G>A, p.Arg177His (NM_001346897.2, NM_001346899.2); c.665G>A, p.Arg222His (NM_001346898.2, NM_201282.2, NM_201283.2 and 1 more transcripts); c.506G>A, p.Arg169His (NM_001346900.2); c.89-3248G>A (NM_001346941.2); short protein forms R177H, R222H, R169H.
Identifiers: ClinVar variation 961450 (VCV000961450.8), dbSNP rs751295137, ClinGen allele CA4265316.
Genomic context (GRCh38, chr7:55,152,582, plus strand): 5'-CAGGGAACCTTTGCTCTTTTTCAGTGACCAAAATCATCTGTGCCCAGCAGTGCTCCGGGC[G>A]CTGCCGTGGCAAGTCCCCCAGTGACTGCTGCCACAACCAGTGTGCTGCAGGCTGCACAGG-3'
Protein context (NP_005219.2, residues 212-232): KIICAQQCSG[Arg222His]CRGKSPSDCC

ClinVar aggregate classification (germline): Uncertain significance. Review status: criteria provided, multiple submitters, no conflicts (2 of 4 stars). 2 submissions from 2 submitters: Uncertain significance (2). Last evaluated 2025-12-29.

Conditions:
Hereditary cancer-predisposing syndrome. Also called: Tumor predisposition; Hereditary neoplastic syndrome; Hereditary Cancer Syndrome; Neoplastic Syndromes, Hereditary. Identifiers: Orphanet 140162, MedGen C0027672, MeSH D009386, MONDO:0015356.
EGFR-related lung cancer (EGFR). Identifiers: MedGen CN130014.

Allele frequency attached by ClinVar (database versions not stated): gnomAD 0.00001; gnomAD exomes 0.00001; TOPMed 0.00001; ExAC 0.00002.
gnomAD v4.1: 8 of 1,613,716 alleles (0.0005%); highest among the groups gnomAD compares: Admixed American, 0.0017%; no homozygotes.

Submissions (2):

Labcorp Genetics (formerly Invitae), Labcorp
Classification: Uncertain significance for EGFR-related lung cancer. Last evaluated: 2025-12-29. Review status: criteria provided, single submitter. Criteria: Invitae Variant Classification Sherloc (09022015). Collection method: clinical testing. Allele origin: germline.
Comment: This sequence change replaces arginine, which is basic and polar, with histidine, which is basic and polar, at codon 222 of the EGFR protein (p.Arg222His). This variant is present in population databases (rs751295137, gnomAD 0.002%). This variant has not been reported in the literature in individuals affected with EGFR-related conditions. ClinVar contains an entry for this variant (Variation ID: 961450). An algorithm developed to predict the effect of missense changes on protein structure and function (PolyPhen-2) suggests that this variant is likely to be disruptive. In summary, the available evidence is currently insufficient to determine the role of this variant in disease. Therefore, it has been classified as a Variant of Uncertain Significance.

Ambry Genetics
Classification: Uncertain significance for Hereditary cancer-predisposing syndrome. Last evaluated: 2025-02-21. Review status: criteria provided, single submitter. Criteria: Ambry Variant Classification Scheme 2023. Collection method: clinical testing. Allele origin: germline.
Comment: The p.R222H variant (also known as c.665G>A), located in coding exon 6 of the EGFR gene, results from a G to A substitution at nucleotide position 665. The arginine at codon 222 is replaced by histidine, an amino acid with highly similar properties. This amino acid position is highly conserved in available vertebrate species. In addition, the in silico prediction for this alteration is inconclusive. Based on the available evidence, the clinical significance of this variant remains unclear.